The following is an entry in ClinVar:

ClinVar aggregate classification (germline): Uncertain significance (1 of 4 stars; one submission).

Allele frequency attached by ClinVar (database versions not stated): gnomAD exomes below 0.00001; gnomAD 0.00001.

Submission:

Labcorp Genetics (formerly Invitae), Labcorp
Classification: Uncertain significance. Last evaluated: 2022-07-15. Review status: criteria provided, single submitter. Criteria: Invitae Variant Classification Sherloc (09022015). Collection method: clinical testing. Allele origin: germline.
Comment: This sequence change replaces leucine, which is neutral and non-polar, with arginine, which is basic and polar, at codon 717 of the SLITRK6 protein (p.Leu717Arg). This variant is present in population databases (no rsID available, gnomAD 0.0009%). This variant has not been reported in the literature in individuals affected with SLITRK6-related conditions. Algorithms developed to predict the effect of missense changes on protein structure and function are either unavailable or do not agree on the potential impact of this missense change (SIFT: "Deleterious"; PolyPhen-2: "Possibly Damaging"; Align-GVGD: "Class C0"). In summary, the available evidence is currently insufficient to determine the role of this variant in disease. Therefore, it has been classified as a Variant of Uncertain Significance.

NM_032229.3(SLITRK6):c.2150T>G (p.Leu717Arg)

Gene: SLITRK6 (SLIT and NTRK like family member 6; minus strand). Cytogenetic location: 13q31.1.
Variant type: single nucleotide variant.
Coding change: c.2150T>G on transcript NM_032229.3 (MANE Select); coding-DNA position 2150, T replaced by G.
Protein change: p.Leu717Arg; replaces leucine 717 with arginine.
Molecular consequence: missense variant.
Genome position (GRCh38, 1-based): chr13:85,794,359, A>C on the plus strand (T>G on the coding strand, the complement: SLITRK6 is on the minus strand). VCF-style: chr13-85794359-A-C. GRCh37 (hg19) VCF-style: chr13-86368494-A-C.
Other names: short protein forms L717R.
Identifiers: ClinVar variation 2065672 (VCV002065672.4), dbSNP rs1304706251, ClinGen allele CA388372804.